The following is an entry in ClinVar:

NM_000379.4(XDH):c.3736C>T (p.Arg1246Cys)

Gene: XDH (xanthine dehydrogenase; minus strand). Cytogenetic location: 2p23.1.
Variant type: single nucleotide variant.
Coding change: c.3736C>T on transcript NM_000379.4 (MANE Select); coding-DNA position 3736, C replaced by T.
Protein change: p.Arg1246Cys; replaces arginine 1246 with cysteine.
Molecular consequence: missense variant.
Genome position (GRCh38, 1-based): chr2:31,339,527, G>A on the plus strand (C>T on the coding strand, the complement: XDH is on the minus strand). VCF-style: chr2-31339527-G-A. GRCh37 (hg19) VCF-style: chr2-31562393-G-A.
Other names: short protein forms R1246C.
Identifiers: ClinVar variation 572582 (VCV000572582.9), dbSNP rs142329784, ClinGen allele CA1598289.

ClinVar aggregate classification (germline): Uncertain significance. Review status: criteria provided, multiple submitters, no conflicts (2 of 4 stars). 4 submissions from 4 submitters: Uncertain significance (4). Last evaluated 2024-11-22.

Conditions:
Hereditary xanthinuria type 1 (XAN1). Identifiers: Orphanet 3467, Orphanet 93601, MedGen C0268118, MONDO:0010209, OMIM 278300.
Xanthinuria type II. Also called: Xanthine dehydrogenase and aldehyde oxidase combined deficiency of; XDH and AOX dual deficiency. Identifiers: Orphanet 3467, Orphanet 93602, MedGen C1863688, MONDO:0011346, OMIM 603592.

Allele frequency attached by ClinVar (database versions not stated): TOPMed 0.00036; ESP Exome Variant Server 0.00038; gnomAD exomes 0.00041 and 0.00075; gnomAD 0.00044 and 0.00045; ExAC 0.00045.

Submissions (4):

Blueprint Genetics
Classification: Uncertain significance. Last evaluated: 2024-11-22. Review status: criteria provided, single submitter. Criteria: ACMG Guidelines, 2015. Collection method: clinical testing. Allele origin: germline.

Labcorp Genetics (formerly Invitae), Labcorp
Classification: Uncertain significance for Xanthinuria type II. Last evaluated: 2022-07-11. Review status: criteria provided, single submitter. Criteria: Invitae Variant Classification Sherloc (09022015). Collection method: clinical testing. Allele origin: germline.
Comment: This sequence change replaces arginine, which is basic and polar, with cysteine, which is neutral and slightly polar, at codon 1246 of the XDH protein (p.Arg1246Cys). This variant is present in population databases (rs142329784, gnomAD 0.08%). This variant has not been reported in the literature in individuals affected with XDH-related conditions. ClinVar contains an entry for this variant (Variation ID: 572582). Algorithms developed to predict the effect of missense changes on protein structure and function are either unavailable or do not agree on the potential impact of this missense change (SIFT: "Deleterious"; PolyPhen-2: "Probably Damaging"; Align-GVGD: "Class C15"). In summary, the available evidence is currently insufficient to determine the role of this variant in disease. Therefore, it has been classified as a Variant of Uncertain Significance.

Fulgent Genetics
Classification: Uncertain significance for Hereditary xanthinuria type 1. Last evaluated: 2022-02-04. Review status: criteria provided, single submitter. Criteria: ACMG Guidelines, 2015. Collection method: clinical testing. Allele origin: unknown.

Breakthrough Genomics
Classification: Uncertain significance. Review status: criteria provided, single submitter. Criteria: ACMG Guidelines, 2015. Collection method: not provided. Allele origin: germline. Inheritance: Autosomal recessive inheritance. Affected: yes.